The following is an entry in ClinVar:

ClinVar aggregate classification (germline): Conflicting classifications of pathogenicity. Review status: criteria provided, conflicting classifications (1 of 4 stars). 5 submissions from 5 submitters: Uncertain significance (2); Likely benign (2). 1 of the submissions does not count toward it. Last evaluated 2025-10-17.

Conditions:
Familial steroid-resistant nephrotic syndrome with sensorineural deafness. Identifiers: Orphanet 280406, MedGen C3553349, MONDO:0013836, OMIM 614650.
COQ6-related disorder. Also called: COQ6-related condition.

Allele frequency attached by ClinVar (database versions not stated): gnomAD exomes 0.00024 and 0.00014; gnomAD 0.00021 and 0.00020; TOPMed 0.00019; ESP Exome Variant Server 0.00023; ExAC 0.00012.
gnomAD v4.1: 367 of 1,613,914 alleles (0.023%); highest among the groups gnomAD compares: Non-Finnish European, 0.03%; no homozygotes.

Submissions (5):

Labcorp Genetics (formerly Invitae), Labcorp
Classification: Likely benign. Last evaluated: 2025-10-17. Review status: criteria provided, single submitter. Criteria: Invitae Variant Classification Sherloc (09022015). Collection method: clinical testing. Allele origin: germline.

GeneDx
Classification: Uncertain significance. Last evaluated: 2025-08-17. Review status: criteria provided, single submitter. Criteria: GeneDx Variant Classification Process June 2021. Collection method: clinical testing. Allele origin: germline. Affected: yes.
Comment: Has not been previously published as pathogenic or benign to our knowledge; In silico analysis is inconclusive as to whether the variant alters gene splicing. In the absence of RNA/functional studies, the actual effect of this sequence change is unknown

Mayo Clinic Laboratories, Mayo Clinic
Classification: Uncertain significance. Last evaluated: 2025-06-11. Review status: criteria provided, single submitter. Criteria: ACMG Guidelines, 2015. Collection method: clinical testing. Allele origin: germline. Observed: 1 variant allele.

Fulgent Genetics
Classification: Likely benign for Familial steroid-resistant nephrotic syndrome with sensorineural deafness. Last evaluated: 2021-12-17. Review status: criteria provided, single submitter. Criteria: ACMG Guidelines, 2015. Collection method: clinical testing. Allele origin: unknown.

PreventionGenetics, part of Exact Sciences
Classification: Likely benign for COQ6-related condition. Last evaluated: 2021-10-25. Review status: no assertion criteria provided. Collection method: clinical testing. Allele origin: germline. Not counted in ClinVar's aggregate classification.
Comment: This variant is classified as likely benign based on ACMG/AMP sequence variant interpretation guidelines (Richards et al. 2015 PMID: 25741868, with internal and published modifications).

NM_182476.3(COQ6):c.498C>T (p.Leu166=)

Genes: COQ6 (coenzyme Q6, monooxygenase; plus strand), ENTPD5 (ectonucleoside triphosphate diphosphohydrolase 5; minus strand). Cytogenetic location: 14q24.3.
Variant type: single nucleotide variant.
Coding change: c.498C>T on transcript NM_182476.3 (MANE Select); coding-DNA position 498, C replaced by T.
Protein change: p.Leu166=; no amino-acid change (leucine 166 retained).
Molecular consequence: synonymous variant. On other transcripts: 3 prime UTR variant (3), intron variant (5).
Genome position (GRCh38, 1-based): chr14:73,958,163, C>T. VCF-style: chr14-73958163-C-T. GRCh37 (hg19) VCF-style: chr14-74424866-C-T.
Other names: p.Leu166=; c.*1367G>A (NM_001382259.1, NM_001382260.1, NM_001330189.2); c.73-808C>T (NM_001425265.1, NM_001425264.1); c.358-808C>T (NM_001425262.1); c.1201-2576G>A (NM_001382258.1); c.1201-2335G>A (NM_001382262.1); c.498C>T, p.Leu166= (NM_001425255.1, NM_001425256.1); c.333C>T, p.Leu111= (NM_001425257.1); and 3 more.
Identifiers: ClinVar variation 512412 (VCV000512412.16), dbSNP rs139341447, ClinGen allele CA7264224.